The following is an entry in ClinVar:

ClinVar aggregate classification (germline): Pathogenic (1 of 4 stars; one submission).

Submission:

Labcorp Genetics (formerly Invitae), Labcorp
Classification: Pathogenic. Last evaluated: 2023-11-27. Review status: criteria provided, single submitter. Criteria: Invitae Variant Classification Sherloc (09022015). Collection method: clinical testing. Allele origin: germline.
Comment: This sequence change replaces asparagine, which is neutral and polar, with lysine, which is basic and polar, at codon 77 of the GFAP protein (p.Asn77Lys). This variant is not present in population databases (gnomAD no frequency). This missense change has been observed in individual(s) with Alexander disease (PMID: 23364391). In at least one individual the variant was observed to be de novo. Advanced modeling of protein sequence and biophysical properties (such as structural, functional, and spatial information, amino acid conservation, physicochemical variation, residue mobility, and thermodynamic stability) has been performed at Invitae for this missense variant, however the output from this modeling did not meet the statistical confidence thresholds required to predict the impact of this variant on GFAP protein function. This variant disrupts the p.Asn77 amino acid residue in GFAP. Other variant(s) that disrupt this residue have been determined to be pathogenic (PMID: 15732097, 17894839, 26478912). This suggests that this residue is clinically significant, and that variants that disrupt this residue are likely to be disease-causing. For these reasons, this variant has been classified as Pathogenic.

Literature cited by the submitters: PubMed 23364391; PubMed 15732097; PubMed 17894839; PubMed 26478912.

NM_002055.5(GFAP):c.231T>A (p.Asn77Lys)

Gene: GFAP (glial fibrillary acidic protein; minus strand). Cytogenetic location: 17q21.31.
Variant type: single nucleotide variant.
Coding change: c.231T>A on transcript NM_002055.5 (MANE Select); coding-DNA position 231, T replaced by A.
Protein change: p.Asn77Lys; replaces asparagine 77 with lysine.
Molecular consequence: missense variant.
Genome position (GRCh38, 1-based): chr17:44,915,256, A>T on the plus strand (T>A on the coding strand, the complement: GFAP is on the minus strand). VCF-style: chr17-44915256-A-T. GRCh37 (hg19) VCF-style: chr17-42992624-A-T.
Other names: c.231T>A, p.Asn77Lys (NM_001131019.3, NM_001242376.3, NM_001363846.2); short protein forms N77K.
Identifiers: ClinVar variation 2736606 (VCV002736606.3), dbSNP rs149404477, ClinGen allele CA399848701.